The following is an entry in ClinVar:

ClinVar aggregate classification (germline): Pathogenic (0 of 4 stars; one submission).

Conditions:
Carney complex, type 1 (CNC1). Also called: CARNEY MYXOMA-ENDOCRINE COMPLEX; CARNEY COMPLEX, TYPE I. Identifiers: Orphanet 1359, MedGen C2607929, MONDO:0008057, OMIM 160980.

Submission:

GeneReviews
Classification: Pathogenic for Carney Complex. Last evaluated: 2012-09-20. Review status: no assertion criteria provided. Collection method: curation. Allele origin: unknown.
ClinVar note: Converted during submission from pathologic to Pathogenic.

NM_212472.2(PRKAR1A):c.178_348del (p.Glu60_Lys116del)

Gene: PRKAR1A (protein kinase cAMP-dependent type I regulatory subunit alpha; plus strand).
Variant type: Deletion.
Coding change: c.178_348del on transcript NM_212472.2; coding-DNA positions 178 to 348, 171 bases deleted.
Protein change: p.Glu60_Lys116del.
Other names: c.178_348del171 (NM_212472.1).
Identifiers: ClinVar variation 41385 (VCV000041385.3).